The following is an entry in ClinVar:

NM_000455.5(STK11):c.290+10G>C

Gene: STK11 (serine/threonine kinase 11; plus strand). Cytogenetic location: 19p13.3.
Variant type: single nucleotide variant.
Coding change: c.290+10G>C on transcript NM_000455.5 (MANE Select); 10 bases into the intron after coding-DNA position 290, G replaced by C.
Molecular consequence: intron variant.
Genome position (GRCh38, 1-based): chr19:1,207,213, G>C. VCF-style: chr19-1207213-G-C. GRCh37 (hg19) VCF-style: chr19-1207212-G-C.
Identifiers: ClinVar variation 219457 (VCV000219457.12), dbSNP rs864622101, ClinGen allele CA350013.

ClinVar aggregate classification (germline): Likely benign. Review status: criteria provided, multiple submitters, no conflicts (2 of 4 stars). 3 submissions from 3 submitters: Likely benign (3). Last evaluated 2025-03-25.

Conditions:
Familial ovarian cancer. Identifiers: MedGen C5679802, MONDO:0016248.
Peutz-Jeghers syndrome (PJS). Also called: POLYPOSIS, HAMARTOMATOUS INTESTINAL; POLYPS-AND-SPOTS SYNDROME; Peutz-Jeghers polyposis; Periorificial lentiginosis syndrome. Identifiers: Orphanet 2869, MedGen C0031269, MeSH D010580, MONDO:0008280, OMIM 175200.

Allele frequency attached by ClinVar (database versions not stated): gnomAD exomes below 0.00001.
gnomAD v4.1: 2 of 1,591,826 alleles (0.00013%); highest among the groups gnomAD compares: Non-Finnish European, 0.000086%; no homozygotes.

Submissions (3):

Myriad Genetics, Inc.
Classification: Likely benign for Peutz-Jeghers syndrome. Last evaluated: 2025-03-25. Review status: criteria provided, single submitter. Criteria: Myriad Autosomal Dominant, Autosomal Recessive and X-Linked Classification Criteria (2023). Collection method: clinical testing. Allele origin: unknown.
Comment: This variant is considered likely benign. This variant is intronic and is not expected to impact mRNA splicing.

Labcorp Genetics (formerly Invitae), Labcorp
Classification: Likely benign for Peutz-Jeghers syndrome. Last evaluated: 2024-12-04. Review status: criteria provided, single submitter. Criteria: Invitae Variant Classification Sherloc (09022015). Collection method: clinical testing. Allele origin: germline.

Department of Pathology and Laboratory Medicine, Sinai Health System
Classification: Likely benign for familial ovarian cancer. Last evaluated: 2022-09-06. Review status: criteria provided, single submitter. Criteria: ACMG Guidelines, 2015. Collection method: clinical testing. Allele origin: germline. Affected: no.